The following is an entry in ClinVar:

ClinVar aggregate classification (germline): Likely benign. Review status: reviewed by expert panel (3 of 4 stars). 19 submissions from 19 submitters: Likely benign (1). 18 of the submissions do not count toward it. Last evaluated 2013-09-05.

Conditions:
Hereditary nonpolyposis colorectal neoplasms. Identifiers: MedGen C0009405, MeSH D003123.
PMS2-related disorder. Also called: PMS2-related condition.
Breast neoplasm. Also called: Neoplasm of breast; Breast tumor; Breast Neoplasms; Neoplasm of the breast. Identifiers: MedGen C1458155, MeSH D001943, MONDO:0021100, HP:0100013. Disease mechanism: gain of function.
Hereditary cancer-predisposing syndrome. Also called: Hereditary neoplastic syndrome; Neoplastic Syndromes, Hereditary; Hereditary Cancer Syndrome; Tumor predisposition. Identifiers: Orphanet 140162, MedGen C0027672, MeSH D009386, MONDO:0015356.
Lynch syndrome. Identifiers: Orphanet 144, MedGen C4552100, MONDO:0005835. Disease mechanism: loss of function.
Lynch syndrome 4 (LYNCH4). Also called: Colorectal cancer, hereditary nonpolyposis, type 4; Hereditary non-polyposis colorectal cancer, type 4. Identifiers: Orphanet 144, MedGen C1838333, MONDO:0013699, OMIM 614337. Disease mechanism: loss of function.

Allele frequency attached by ClinVar (database versions not stated): TOPMed 0.00005; gnomAD exomes 0.00006 and 0.00005; gnomAD 0.00007 and 0.00005; ESP Exome Variant Server 0.00008; ExAC 0.00005.
gnomAD v4.1: 90 of 1,611,734 alleles (0.0056%); highest among the groups gnomAD compares: Middle Eastern, 0.022%; no homozygotes.

Submissions (19):

International Society for Gastrointestinal Hereditary Tumours (InSiGHT)
Classification: Likely benign for Lynch Syndrome. Last evaluated: 2013-09-05. Review status: reviewed by expert panel. Criteria: Guidelines v1.9. Collection method: research. Allele origin: germline.
Comment: Synonymous variant with no effect on splicing or mRNA stability

Classified with v1.9 guidelines

Labcorp Genetics (formerly Invitae), Labcorp
Classification: Benign for Hereditary nonpolyposis colorectal neoplasms. Last evaluated: 2026-01-10. Review status: criteria provided, single submitter. Criteria: Invitae Variant Classification Sherloc (09022015). Collection method: clinical testing. Allele origin: germline. Not counted in ClinVar's aggregate classification.

Spanish MMR Variant Interpretation Working Group
Classification: Likely benign for Hereditary cancer-predisposing syndrome. Last evaluated: 2025-05-05. Review status: criteria provided, single submitter. Criteria: ClinGen CRC ACMG Specifications PMS2 V1.0.0. Collection method: clinical testing. Allele origin: germline. Affected: yes. Not counted in ClinVar's aggregate classification.
Comment: The PMS2 variant c.384G>A is a silent variant (p.Ser128=) (BP7). It has an allele frequency of 0.0055% in the gnomAD v4.1.0, with a maximal credible allele frequency of 0.0053% (no criterion is met). This variant is not predicted to affect splicing according to MaxEntScan, NNSplice, and SpliceAI algorithms (BP4). There is one study that shows no effect on mRNA splicing or differential allelic expression (RT-PCR of patient RNA treated with NMD inhibitor and allele-specific expression assay) (Borras 2013 PMID 23709753) (BS3). Based on the available evidence, this variant is classified as Likely Benign (Class 2).

Center for Genomic Medicine, Rigshospitalet, Copenhagen University Hospital
Classification: Likely benign. Last evaluated: 2025-03-04. Review status: criteria provided, single submitter. Criteria: ACMG Guidelines, 2015. Collection method: clinical testing. Allele origin: germline. Not counted in ClinVar's aggregate classification.

Blueprint Genetics
Classification: Likely benign. Last evaluated: 2024-10-17. Review status: criteria provided, single submitter. Criteria: ACMG Guidelines, 2015. Collection method: clinical testing. Allele origin: germline. Not counted in ClinVar's aggregate classification.

Department of Pathology and Laboratory Medicine, Sinai Health System
Classification: Likely benign for Lynch syndrome. Last evaluated: 2024-02-12. Review status: criteria provided, single submitter. Criteria: ACMG Guidelines, 2015. Collection method: clinical testing. Allele origin: germline. Affected: yes. Not counted in ClinVar's aggregate classification.

All of Us Research Program, National Institutes of Health
Classification: Benign for Lynch syndrome. Last evaluated: 2024-01-08. Review status: criteria provided, single submitter. Criteria: ACMG Guidelines, 2015. Collection method: clinical testing. Allele origin: germline. Inheritance: Autosomal dominant inheritance. Observed: 15 variant alleles, 15 heterozygotes. Not counted in ClinVar's aggregate classification.
Comment: This study involves interpretation of variants in research participants for the purpose of population health screening. Participant phenotype was not available at the time of variant classification. Additional details can be found in publication PMID: 35346344, PMCID: PMC8962531

Myriad Genetics, Inc.
Classification: Benign for Lynch syndrome 4. Last evaluated: 2023-04-05. Review status: criteria provided, single submitter. Criteria: Myriad Autosomal Dominant, Autosomal Recessive and X-Linked Classification Criteria (2023). Collection method: clinical testing. Allele origin: unknown. Not counted in ClinVar's aggregate classification.
Comment: This variant is considered benign. This variant is a silent/synonymous amino acid change and it is not expected to impact splicing.

Sema4
Classification: Likely benign for Hereditary cancer-predisposing syndrome. Last evaluated: 2020-10-07. Review status: criteria provided, single submitter. Criteria: Sema4 Curation Guidelines. Collection method: curation. Allele origin: germline. Not counted in ClinVar's aggregate classification.

Mendelics
Classification: Likely benign for Lynch syndrome 4. Last evaluated: 2019-05-28. Review status: criteria provided, single submitter. Criteria: Mendelics Assertion Criteria 2017. Collection method: clinical testing. Allele origin: unknown. Not counted in ClinVar's aggregate classification.

Genetic Services Laboratory, University of Chicago
Classification: Likely benign. Last evaluated: 2019-03-13. Review status: criteria provided, single submitter. Criteria: ACMG Guidelines, 2015. Collection method: clinical testing. Allele origin: germline. Affected: no. Not counted in ClinVar's aggregate classification.

Institute of Human Genetics, University of Leipzig Medical Center
Classification: Benign for Neoplasm of the breast. Last evaluated: 2019-01-01. Review status: criteria provided, single submitter. Criteria: ACMG Guidelines, 2015. Collection method: clinical testing. Allele origin: unknown. Affected: yes. Not counted in ClinVar's aggregate classification.

Women's Health and Genetics/Laboratory Corporation of America, LabCorp
Classification: Likely benign. Last evaluated: 2018-06-18. Review status: criteria provided, single submitter. Criteria: LabCorp Variant Classification Summary - May 2015. Collection method: clinical testing. Allele origin: germline. Not counted in ClinVar's aggregate classification.
Comment: Variant summary: PMS2 c.384G>A alters a non-conserved nucleotide resulting in a synonymous change. 4/5 computational tools predict no significant impact on normal splicing. However, these predictions have yet to be confirmed by functional studies. The variant allele was found at a frequency of 4.9e-05 in 121588 control chromosomes. The available data on variant occurrences in the general population are insufficient to allow any conclusion about variant significance. However, the region is highly homologous to PMS2 pseudogenes, and the technology utilized for this dataset does not rule out pseudogene interference making ExAC and gnomAD data unreliable for assessing variant frequency. c.384G>A has been reported in the literature in an individual affected with Lynch Syndrome, however in this case a co-occurring pathogenic variant (PMS2 c.164-2A>G) was also present (in cis), providing supporting evidence for a benign role (Borras 2013). To our knowledge, no experimental evidence demonstrating an impact on protein function has been reported. Five clinical diagnostic laboratories have submitted clinical-significance assessments for this variant to ClinVar after 2014 without evidence for independent evaluation. All laboratories classified the variant as benign/likely benign. Based on the evidence outlined above, the variant was classified as likely benign.

Illumina Laboratory Services, Illumina
Classification: Uncertain significance for Lynch syndrome 4. Last evaluated: 2017-04-27. Review status: criteria provided, single submitter. Criteria: ICSL Variant Classification Criteria 13 December 2019. Collection method: clinical testing. Allele origin: germline. Not counted in ClinVar's aggregate classification.
Comment: This variant was observed as part of a predisposition screen in an ostensibly healthy population. A literature search was performed for the gene, cDNA change, and amino acid change (where applicable). Publications were found based on this search. However, the evidence from the literature, in combination with allele frequency data from public databases where available, was not sufficient to rule this variant in or out of causing disease. Therefore, this variant is classified as a variant of unknown significance.

Color Diagnostics, LLC DBA Color Health
Classification: Benign for Hereditary cancer-predisposing syndrome. Last evaluated: 2016-05-29. Review status: criteria provided, single submitter. Criteria: ACMG Guidelines, 2015. Collection method: clinical testing. Allele origin: germline. Not counted in ClinVar's aggregate classification.

GeneDx
Classification: Benign. Last evaluated: 2015-06-12. Review status: criteria provided, single submitter. Criteria: GeneDx Variant Classification (06012015). Collection method: clinical testing. Allele origin: germline. Affected: yes. Not counted in ClinVar's aggregate classification.
Comment: This variant is considered likely benign or benign based on one or more of the following criteria: it is a conservative change, it occurs at a poorly conserved position in the protein, it is predicted to be benign by multiple in silico algorithms, and/or has population frequency not consistent with disease.

Ambry Genetics
Classification: Likely benign for Hereditary cancer-predisposing syndrome. Last evaluated: 2015-04-28. Review status: criteria provided, single submitter. Criteria: Ambry Variant Classification Scheme 2023. Collection method: clinical testing. Allele origin: germline. Not counted in ClinVar's aggregate classification.

PreventionGenetics, part of Exact Sciences
Classification: Likely benign for PMS2-related condition. Last evaluated: 2019-10-07. Review status: no assertion criteria provided. Collection method: clinical testing. Allele origin: germline. Not counted in ClinVar's aggregate classification.
Comment: This variant is classified as likely benign based on ACMG/AMP sequence variant interpretation guidelines (Richards et al. 2015 PMID: 25741868, with internal and published modifications).

Counsyl
Classification: Likely benign for Lynch syndrome 4. Last evaluated: 2015-11-25. Review status: no assertion criteria provided. Collection method: clinical testing. Allele origin: unknown. Not counted in ClinVar's aggregate classification.

Literature cited by the submitters: PubMed 23709753 (cited by 3 submitters).

NM_000535.7(PMS2):c.384G>A (p.Ser128=)

Gene: PMS2 (PMS1 homolog 2, mismatch repair system component; minus strand). Cytogenetic location: 7p22.1.
Variant type: single nucleotide variant.
Coding change: c.384G>A on transcript NM_000535.7 (MANE Select); coding-DNA position 384, G replaced by A.
Protein change: p.Ser128=; no amino-acid change (serine 128 retained).
Molecular consequence: synonymous variant. On other transcripts: 5 prime UTR variant (8), non-coding transcript variant (1).
Genome position (GRCh38, 1-based): chr7:6,002,606, C>T on the plus strand (G>A on the coding strand, the complement: PMS2 is on the minus strand). VCF-style: chr7-6002606-C-T. GRCh37 (hg19) VCF-style: chr7-6042237-C-T.
Other names: c.-22G>A (NM_001322003.2, NM_001322004.2, NM_001322005.2 and 3 more transcripts); c.384G>A, p.Ser128= (NM_001322006.2, NM_001322014.2); c.66G>A, p.Ser22= (NM_001322007.2, NM_001322008.2); c.-501G>A (NM_001322011.2, NM_001322012.2); c.75G>A, p.Ser25= (NM_001322015.2).
Identifiers: ClinVar variation 91355 (VCV000091355.42), dbSNP rs371342884, ClinGen allele CA012051.
Genomic context (GRCh38, chr7:6,002,606, plus strand): 5'-GGGGGTTTTCTGGATAATTTTCCCATTGTGATCAAACATCAGTCGAGTTCCAACCTTCGC[C>T]GATGCGTGGCAGGTAGAAATGGTGACATCGCTGTGAGAGAATACCAGGCATGGTGTGTTC-3'
Protein context (NP_000526.2, residues 118-138): SDVTISTCHA[Ser128=]AKVGTRLMFD